The following is an entry in ClinVar:

NM_006031.6(PCNT):c.115G>T (p.Ala39Ser)

Genes: PCNT (pericentrin; plus strand), LOC128092249 (uncharacterized LOC128092249; plus strand). Cytogenetic location: 21q22.3.
Variant type: single nucleotide variant.
Coding change: c.115G>T on transcript NM_006031.6 (MANE Select); coding-DNA position 115, G replaced by T.
Protein change: p.Ala39Ser; replaces alanine 39 with serine.
Molecular consequence: missense variant. On other transcripts: synonymous variant (1), 5 prime UTR variant (1).
Genome position (GRCh38, 1-based): chr21:46,326,437, G>T. VCF-style: chr21-46326437-G-T. GRCh37 (hg19) VCF-style: chr21-47746351-G-T.
Other names: c.150G>T, p.Arg50= (NM_001414902.1); c.-240G>T (NM_001315529.2); short protein forms A39S.
Identifiers: ClinVar variation 3346925 (VCV003346925.1).
Genomic context (GRCh38, chr21:46,326,437, plus strand): 5'-CTTGCTCACTTCCGACAGAGAAAAACAAAAGGTGACAGTTCGCATTCGGAGAAAAAGACG[G>T]CGAAGAGGAAGGGCTCGGCTGTCGATGCGTCTGTCCAGGAGGAGAGTCCGGTAACCAAGG-3'
Protein context (NP_006022.3, residues 29-49): GDSSHSEKKT[Ala39Ser]KRKGSAVDAS

ClinVar aggregate classification (germline): Uncertain significance (0 of 4 stars; one submission).

Conditions:
PCNT-related disorder. Also called: PCNT-related condition.

Submission:

PreventionGenetics, part of Exact Sciences
Classification: Uncertain significance for PCNT-related condition. Last evaluated: 2024-04-16. Review status: no assertion criteria provided. Collection method: clinical testing. Allele origin: germline.
Comment: The PCNT c.115G>T variant is predicted to result in the amino acid substitution p.Ala39Ser. To our knowledge, this variant has not been reported in the literature or in a large population database, indicating this variant is rare. At this time, the clinical significance of this variant is uncertain due to the absence of conclusive functional and genetic evidence.